The following is an entry in ClinVar:

ClinVar aggregate classification (germline): Benign (1 of 4 stars; one submission).

Allele frequency attached by ClinVar (database versions not stated): TOPMed 0.37171; gnomAD 0.37864 and 0.38169; 1000 Genomes Project 30x 0.38804; 1000 Genomes Project 0.39397; gnomAD exomes 0.40173.
gnomAD v4.1: 392,057 of 983,536 alleles (40%); highest among the groups gnomAD compares: East Asian, 51%; 79,484 homozygotes.

Submission:

GeneDx
Classification: Benign. Last evaluated: 2018-06-19. Review status: criteria provided, single submitter. Criteria: GeneDx Variant Classification (06012015). Collection method: clinical testing. Allele origin: germline. Affected: yes.
Comment: This variant is considered likely benign or benign based on one or more of the following criteria: it is a conservative change, it occurs at a poorly conserved position in the protein, it is predicted to be benign by multiple in silico algorithms, and/or has population frequency not consistent with disease.

NM_014252.4(SLC25A15):c.56-249C>T

Gene: SLC25A15 (solute carrier family 25 member 15; plus strand). Cytogenetic location: 13q14.11.
Variant type: single nucleotide variant.
Coding change: c.56-249C>T on transcript NM_014252.4 (MANE Select); 249 bases into the intron before coding-DNA position 56, C replaced by T.
Molecular consequence: intron variant. On other transcripts: non-coding transcript variant (2).
Genome position (GRCh38, 1-based): chr13:40,798,808, C>T. VCF-style: chr13-40798808-C-T. GRCh37 (hg19) VCF-style: chr13-41372944-C-T.
Identifiers: ClinVar variation 683871 (VCV000683871.1), dbSNP rs2297013, ClinGen allele CA13829824.